The following is an entry in ClinVar:

NM_000095.3(COMP):c.1898C>T (p.Pro633Leu)

Gene: COMP (cartilage oligomeric matrix protein; minus strand). Cytogenetic location: 19p13.11.
Variant type: single nucleotide variant.
Coding change: c.1898C>T on transcript NM_000095.3 (MANE Select); coding-DNA position 1898, C replaced by T.
Protein change: p.Pro633Leu; replaces proline 633 with leucine.
Molecular consequence: missense variant.
Genome position (GRCh38, 1-based): chr19:18,784,912, G>A on the plus strand (C>T on the coding strand, the complement: COMP is on the minus strand). VCF-style: chr19-18784912-G-A. GRCh37 (hg19) VCF-style: chr19-18895722-G-A.
Other names: c.1898C>T (NM_000095.2); short protein forms P633L.
Identifiers: ClinVar variation 2098882 (VCV002098882.5), dbSNP rs202228058, ClinGen allele CA306253509.

ClinVar aggregate classification (germline): Uncertain significance. Review status: criteria provided, multiple submitters, no conflicts (2 of 4 stars). 2 submissions from 2 submitters: Uncertain significance (2). Last evaluated 2026-02-28.

Conditions:
Inborn genetic diseases. Identifiers: MedGen C0950123, MeSH D030342.

Allele frequency attached by ClinVar (database versions not stated): gnomAD exomes below 0.00001.
gnomAD v4.1: 1 of 1,613,894 alleles (0.000062%); highest among the groups gnomAD compares: Non-Finnish European, 0.000085%; no homozygotes.

Submissions (2):

Ambry Genetics
Classification: Uncertain significance for Inborn genetic diseases. Last evaluated: 2026-02-28. Review status: criteria provided, single submitter. Criteria: Ambry Variant Classification Scheme 2023. Collection method: clinical testing. Allele origin: germline.

Labcorp Genetics (formerly Invitae), Labcorp
Classification: Uncertain significance. Last evaluated: 2024-09-27. Review status: criteria provided, single submitter. Criteria: Invitae Variant Classification Sherloc (09022015). Collection method: clinical testing. Allele origin: germline.
Comment: This sequence change replaces proline, which is neutral and non-polar, with leucine, which is neutral and non-polar, at codon 633 of the COMP protein (p.Pro633Leu). This variant is not present in population databases (gnomAD no frequency). This variant has not been reported in the literature in individuals affected with COMP-related conditions. ClinVar contains an entry for this variant (Variation ID: 2098882). Invitae Evidence Modeling of protein sequence and biophysical properties (such as structural, functional, and spatial information, amino acid conservation, physicochemical variation, residue mobility, and thermodynamic stability) has been performed for this missense variant. However, the output from this modeling did not meet the statistical confidence thresholds required to predict the impact of this variant on COMP protein function. In summary, the available evidence is currently insufficient to determine the role of this variant in disease. Therefore, it has been classified as a Variant of Uncertain Significance.